The following is an entry in ClinVar:

ClinVar aggregate classification (germline): Pathogenic (1 of 4 stars; one submission).

Conditions:
Autosomal recessive limb-girdle muscular dystrophy type 2D (LGMDR3). Also called: MUSCULAR DYSTROPHY, LIMB-GIRDLE, AUTOSOMAL RECESSIVE 3; ADHALINOPATHY, PRIMARY; DUCHENNE-LIKE AUTOSOMAL RECESSIVE MUSCULAR DYSTROPHY, TYPE 2. Identifiers: Orphanet 62, MedGen C2936332, MONDO:0011968, OMIM 608099. Disease mechanism: Affects gamma-sarcoglycan and also disrupts the integrity of the entire sarcoglycan complex..

Submission:

Labcorp Genetics (formerly Invitae), Labcorp
Classification: Pathogenic for Autosomal recessive limb-girdle muscular dystrophy type 2D. Last evaluated: 2023-03-04. Review status: criteria provided, single submitter. Criteria: Invitae Variant Classification Sherloc (09022015). Collection method: clinical testing. Allele origin: germline.
Comment: This sequence change creates a premature translational stop signal (p.Ser207Tyrfs*11) in the SGCA gene. It is expected to result in an absent or disrupted protein product. Loss-of-function variants in SGCA are known to be pathogenic (PMID: 9192266). This variant is not present in population databases (gnomAD no frequency). This variant has not been reported in the literature in individuals affected with SGCA-related conditions. Algorithms developed to predict the effect of sequence changes on RNA splicing suggest that this variant may disrupt the consensus splice site. For these reasons, this variant has been classified as Pathogenic.

Literature cited by the submitters: PubMed 9192266.

NM_000023.4(SGCA):c.618_619del (p.Ser207fs)

Gene: SGCA (sarcoglycan alpha; plus strand). Cytogenetic location: 17q21.33.
Variant type: Deletion.
Coding change: c.618_619del on transcript NM_000023.4 (MANE Select); coding-DNA positions 618 to 619, 2 bases deleted (TT; older notation c.618_619delTT).
Protein change: p.Ser207fs; shifts the reading frame from serine 207.
Molecular consequence: frameshift variant. On other transcripts: non-coding transcript variant (1), intron variant (1).
Genome position (GRCh38, 1-based): chr17:50,169,125-50,169,126, TT deleted; deleting any 2 consecutive bases within chr17:50,169,122-50,169,126 gives the same sequence; the c. name uses the placement nearest the transcript's 3' end. VCF-style (leftmost placement, unchanged base first): chr17-50169121-CTT-C. GRCh37 (hg19) VCF-style: chr17-48246482-CTT-C.
Other names: c.584+553_584+554del (NM_001135697.3); short protein forms S207fs.
Identifiers: ClinVar variation 2842791 (VCV002842791.3), dbSNP rs1567741236, ClinGen allele CA2638705516.
Genomic context (GRCh38, chr17:50,169,121, plus strand): 5'-TCTGCTGACAGTGACTTCTATCTGGTCCCAGGGTATACATTAAGGTGGGTTCTGCCTCAC[CTT>C]TTTCTACTTGCCTGAAGATGGTGGCATCCCCCGATAGCCACGCCCGCTGTGCCCAGGGCC-3'